The following is an entry in ClinVar:

ClinVar aggregate classification (germline): Uncertain significance (1 of 4 stars; one submission).

gnomAD v4.1: 1 of 1,613,616 alleles (0.000062%); highest among the groups gnomAD compares: Non-Finnish European, 0.000085%; no homozygotes.

Submission:

Labcorp Genetics (formerly Invitae), Labcorp
Classification: Uncertain significance. Last evaluated: 2025-11-18. Review status: criteria provided, single submitter. Criteria: Invitae Variant Classification Sherloc (09022015). Collection method: clinical testing. Allele origin: germline.
Comment: This sequence change replaces serine, which is neutral and polar, with threonine, which is neutral and polar, at codon 1362 of the FOCAD protein (p.Ser1362Thr). This variant is not present in population databases (gnomAD no frequency). This variant has not been reported in the literature in individuals affected with FOCAD-related conditions. Experimental studies and prediction algorithms are not available or were not evaluated, and the functional significance of this variant is currently unknown. In summary, the available evidence is currently insufficient to determine the role of this variant in disease. Therefore, it has been classified as a Variant of Uncertain Significance.

NM_001375567.1(FOCAD):c.4085G>C (p.Ser1362Thr)

Gene: FOCAD (focadhesin; plus strand). Cytogenetic location: 9p21.3.
Variant type: single nucleotide variant.
Coding change: c.4085G>C on transcript NM_001375567.1 (MANE Select); coding-DNA position 4085, G replaced by C.
Protein change: p.Ser1362Thr; replaces serine 1362 with threonine.
Molecular consequence: missense variant.
Genome position (GRCh38, 1-based): chr9:20,953,018, G>C. VCF-style: chr9-20953018-G-C. GRCh37 (hg19) VCF-style: chr9-20953017-G-C.
Other names: c.3980G>C, p.Ser1327Thr (NM_001375568.1, NM_001375570.1); c.4085G>C, p.Ser1362Thr (NM_017794.5); short protein forms S1327T, S1362T.
Identifiers: ClinVar variation 4802441 (VCV004802441.1).
Genomic context (GRCh38, chr9:20,953,018, plus strand): 5'-TAATTTGATCATTTTCTGTCTCCACAGTTCCTACTGACTATAGCTACTTGCCTGAAAGCA[G>C]TTTTATTGGAGCAGCTATTGGCTTCTTCATTACAGGAGGAAAAAAAGGCAAGTGAGCACA-3'
Protein context (NP_001362496.1, residues 1352-1372): PTDYSYLPES[Ser1362Thr]FIGAAIGFFI